The following is an entry in ClinVar:

ClinVar aggregate classification (germline): Uncertain significance (1 of 4 stars; one submission).

Conditions:
Marfan syndrome (MFS). Also called: MARFAN SYNDROME, TYPE I; Marfan syndrome type 1; Marfan's syndrome; Marfan syndrome, classic; FBN1-Related Marfan Syndrome. Identifiers: Orphanet 284963, Orphanet 558, MedGen C0024796, MONDO:0007947, OMIM 154700.
Familial thoracic aortic aneurysm and aortic dissection (TAAD). Also called: Thoracic aortic aneurysms and dissections. Identifiers: Orphanet 91387, MedGen C4707243, MONDO:0019625.

Submission:

Labcorp Genetics (formerly Invitae), Labcorp
Classification: Uncertain significance for Marfan syndrome; Familial thoracic aortic aneurysm and aortic dissection. Last evaluated: 2023-03-23. Review status: criteria provided, single submitter. Criteria: Invitae Variant Classification Sherloc (09022015). Collection method: clinical testing. Allele origin: germline.
Comment: In summary, the available evidence is currently insufficient to determine the role of this variant in disease. Therefore, it has been classified as a Variant of Uncertain Significance. Advanced modeling of protein sequence and biophysical properties (such as structural, functional, and spatial information, amino acid conservation, physicochemical variation, residue mobility, and thermodynamic stability) performed at Invitae indicates that this missense variant is expected to disrupt FBN1 protein function. This variant has not been reported in the literature in individuals affected with FBN1-related conditions. This variant is not present in population databases (gnomAD no frequency). This sequence change replaces threonine, which is neutral and polar, with proline, which is neutral and non-polar, at codon 1671 of the FBN1 protein (p.Thr1671Pro).

NM_000138.5(FBN1):c.5011A>C (p.Thr1671Pro)

Gene: FBN1 (fibrillin 1; minus strand). Cytogenetic location: 15q21.1.
Variant type: single nucleotide variant.
Coding change: c.5011A>C on transcript NM_000138.5 (MANE Select); coding-DNA position 5011, A replaced by C.
Protein change: p.Thr1671Pro; replaces threonine 1671 with proline.
Molecular consequence: missense variant.
Genome position (GRCh38, 1-based): chr15:48,463,953, T>G on the plus strand (A>C on the coding strand, the complement: FBN1 is on the minus strand). VCF-style: chr15-48463953-T-G. GRCh37 (hg19) VCF-style: chr15-48756150-T-G.
Other names: c.5011A>C, p.Thr1671Pro (NM_001406716.1); short protein forms T1671P.
Identifiers: ClinVar variation 2945694 (VCV002945694.3), dbSNP rs2505493313, ClinGen allele CA392349988.